The following is an entry in ClinVar:

ClinVar aggregate classification (germline): Benign/Likely benign. Review status: criteria provided, multiple submitters, no conflicts (2 of 4 stars). 3 submissions from 3 submitters: Benign (2); Likely benign (1). Last evaluated 2026-01-18.

Conditions:
Fibrous dysplasia of jaw (CRBM). Also called: Cherubism. Identifiers: Orphanet 184, MedGen C0008029, MONDO:0007315, OMIM 118400.

Allele frequency attached by ClinVar (database versions not stated): gnomAD 0.00004 and 0.00011; TOPMed 0.00007; ESP Exome Variant Server 0.00008; gnomAD exomes 0.00009 and 0.00020; ExAC 0.00022; 1000 Genomes Project 30x 0.00047; 1000 Genomes Project 0.00060.
gnomAD v4.1: 155 of 1,612,624 alleles (0.0096%); highest among the groups gnomAD compares: East Asian, 0.16%; 1 homozygote.

Submissions (3):

Labcorp Genetics (formerly Invitae), Labcorp
Classification: Benign for Fibrous dysplasia of jaw. Last evaluated: 2026-01-18. Review status: criteria provided, single submitter. Criteria: Invitae Variant Classification Sherloc (09022015). Collection method: clinical testing. Allele origin: germline.

Blueprint Genetics
Classification: Likely benign. Last evaluated: 2024-11-13. Review status: criteria provided, single submitter. Criteria: ACMG Guidelines, 2015. Collection method: clinical testing. Allele origin: germline.

Illumina Laboratory Services, Illumina
Classification: Benign for Fibrous dysplasia of jaw. Last evaluated: 2018-01-13. Review status: criteria provided, single submitter. Criteria: ICSL Variant Classification Criteria 13 December 2019. Collection method: clinical testing. Allele origin: germline.
Comment: This variant was observed in the ICSL laboratory as part of a predisposition screen in an ostensibly healthy population. It had not been previously curated by ICSL or reported in the Human Gene Mutation Database (HGMD: prior to June 1st, 2018), and was therefore a candidate for classification through an automated scoring system. Utilizing variant allele frequency, disease prevalence and penetrance estimates, and inheritance mode, an automated score was calculated to assess if this variant is too frequent to cause the disease. Based on the score and internal cut-off values, a variant classified as benign is not then subjected to further curation. The score for this variant resulted in a classification of benign for this disease.

NM_001122681.2(SH3BP2):c.1488+7G>A

Gene: SH3BP2 (SH3 domain binding protein 2; plus strand). Cytogenetic location: 4p16.3.
Variant type: single nucleotide variant.
Coding change: c.1488+7G>A on transcript NM_001122681.2 (MANE Select); 7 bases into the intron after coding-DNA position 1488, G replaced by A.
Molecular consequence: intron variant.
Genome position (GRCh38, 1-based): chr4:2,832,419, G>A. VCF-style: chr4-2832419-G-A. GRCh37 (hg19) VCF-style: chr4-2834146-G-A.
Other names: c.1572+7G>A (NM_001145855.2); c.1659+7G>A (NM_001145856.2); c.1488+7G>A (NM_003023.4).
Identifiers: ClinVar variation 902866 (VCV000902866.13), dbSNP rs113327530, ClinGen allele CA2819568.